The following is an entry in ClinVar:

ClinVar aggregate classification (germline): Uncertain significance (1 of 4 stars; one submission).

Allele frequency attached by ClinVar (database versions not stated): gnomAD exomes below 0.00001.

Submission:

GeneDx
Classification: Uncertain significance. Last evaluated: 2019-11-02. Review status: criteria provided, single submitter. Criteria: GeneDx Variant Classification Process June 2021. Collection method: clinical testing. Allele origin: germline. Affected: yes.
Comment: In silico analysis, which includes protein predictors and evolutionary conservation, supports a deleterious effect; Has not been previously published as pathogenic or benign to our knowledge

NM_001260.3(CDK8):c.358C>T (p.Pro120Ser)

Gene: CDK8 (cyclin dependent kinase 8; plus strand). Cytogenetic location: 13q12.13.
Variant type: single nucleotide variant.
Coding change: c.358C>T on transcript NM_001260.3 (MANE Select); coding-DNA position 358, C replaced by T.
Protein change: p.Pro120Ser; replaces proline 120 with serine.
Molecular consequence: missense variant. On other transcripts: 5 prime UTR variant (1).
Genome position (GRCh38, 1-based): chr13:26,353,782, C>T. VCF-style: chr13-26353782-C-T. GRCh37 (hg19) VCF-style: chr13-26927919-C-T.
Other names: c.358C>T, p.Pro120Ser (NM_001318368.2); c.-104C>T (NM_001346501.2); short protein forms P120S.
Identifiers: ClinVar variation 1309527 (VCV001309527.2), dbSNP rs1203446076, ClinGen allele CA387683761.